The following is an entry in ClinVar:

NM_020297.4(ABCC9):c.3773T>A (p.Ile1258Lys)

Genes: ABCC9 (ATP binding cassette subfamily C member 9; minus strand), KCNJ8-AS1 (KCNJ8 antisense RNA 1; plus strand). Cytogenetic location: 12p12.1.
Variant type: single nucleotide variant.
Coding change: c.3773T>A on transcript NM_020297.4 (MANE Select); coding-DNA position 3773, T replaced by A.
Protein change: p.Ile1258Lys; replaces isoleucine 1258 with lysine.
Molecular consequence: missense variant.
Genome position (GRCh38, 1-based): chr12:21,817,306, A>T on the plus strand (T>A on the coding strand, the complement: ABCC9 is on the minus strand). VCF-style: chr12-21817306-A-T. GRCh37 (hg19) VCF-style: chr12-21970240-A-T.
Other names: c.3773T>A, p.Ile1258Lys (NM_001377273.1, NM_005691.4); c.2906T>A, p.Ile969Lys (NM_001377274.1); short protein forms I1258K, I969K.
Identifiers: ClinVar variation 2992427 (VCV002992427.3), dbSNP rs2540878766, ClinGen allele CA384136745.

ClinVar aggregate classification (germline): Uncertain significance (1 of 4 stars; one submission).

Conditions:
Dilated cardiomyopathy 1O (CMD1O). Also called: CARDIOMYOPATHY, DILATED, WITH VENTRICULAR TACHYCARDIA. Identifiers: Orphanet 154, MedGen C1837839, MONDO:0012062, OMIM 608569.

Submission:

Labcorp Genetics (formerly Invitae), Labcorp
Classification: Uncertain significance for Dilated cardiomyopathy 1O. Last evaluated: 2023-03-26. Review status: criteria provided, single submitter. Criteria: Invitae Variant Classification Sherloc (09022015). Collection method: clinical testing. Allele origin: germline.
Comment: This sequence change replaces isoleucine, which is neutral and non-polar, with lysine, which is basic and polar, at codon 1258 of the ABCC9 protein (p.Ile1258Lys). This variant is not present in population databases (gnomAD no frequency). This variant has not been reported in the literature in individuals affected with ABCC9-related conditions. An algorithm developed to predict the effect of missense changes on protein structure and function (PolyPhen-2) suggests that this variant is likely to be disruptive. In summary, the available evidence is currently insufficient to determine the role of this variant in disease. Therefore, it has been classified as a Variant of Uncertain Significance.